The following is an entry in ClinVar:

ClinVar aggregate classification (germline): Uncertain significance. Review status: criteria provided, multiple submitters, no conflicts (2 of 4 stars). 2 submissions from 2 submitters: Uncertain significance (2). Last evaluated 2025-02-12.

Conditions:
Inborn genetic diseases. Identifiers: MedGen C0950123, MeSH D030342.

Allele frequency attached by ClinVar (database versions not stated): gnomAD 0.00001; gnomAD exomes 0.00001; ExAC 0.00002; TOPMed 0.00002.
gnomAD v4.1: 21 of 1,613,996 alleles (0.0013%); highest among the groups gnomAD compares: Middle Eastern, 0.016%; no homozygotes.

Submissions (2):

Labcorp Genetics (formerly Invitae), Labcorp
Classification: Uncertain significance. Last evaluated: 2025-02-12. Review status: criteria provided, single submitter. Criteria: Invitae Variant Classification Sherloc (09022015). Collection method: clinical testing. Allele origin: germline.
Comment: This sequence change replaces asparagine, which is neutral and polar, with serine, which is neutral and polar, at codon 169 of the NCSTN protein (p.Asn169Ser). This variant is present in population databases (rs201845998, gnomAD 0.003%). This variant has not been reported in the literature in individuals affected with NCSTN-related conditions. ClinVar contains an entry for this variant (Variation ID: 1920780). Invitae Evidence Modeling of protein sequence and biophysical properties (such as structural, functional, and spatial information, amino acid conservation, physicochemical variation, residue mobility, and thermodynamic stability) indicates that this missense variant is not expected to disrupt NCSTN protein function with a negative predictive value of 80%. In summary, the available evidence is currently insufficient to determine the role of this variant in disease. Therefore, it has been classified as a Variant of Uncertain Significance.

Ambry Genetics
Classification: Uncertain significance for Inborn genetic diseases. Last evaluated: 2023-11-13. Review status: criteria provided, single submitter. Criteria: Ambry Variant Classification Scheme 2023. Collection method: clinical testing. Allele origin: germline.

NM_015331.3(NCSTN):c.506A>G (p.Asn169Ser)

Gene: NCSTN (nicastrin; plus strand). Cytogenetic location: 1q23.2.
Variant type: single nucleotide variant.
Coding change: c.506A>G on transcript NM_015331.3 (MANE Select); coding-DNA position 506, A replaced by G.
Protein change: p.Asn169Ser; replaces asparagine 169 with serine.
Molecular consequence: missense variant.
Genome position (GRCh38, 1-based): chr1:160,350,174, A>G. VCF-style: chr1-160350174-A-G. GRCh37 (hg19) VCF-style: chr1-160319964-A-G.
Other names: c.446A>G, p.Asn149Ser (NM_001290184.2); c.506A>G, p.Asn169Ser (NM_001290186.2, NM_001349729.2); c.506A>G (NM_015331.2); short protein forms N149S, N169S.
Identifiers: ClinVar variation 1920780 (VCV001920780.6), dbSNP rs201845998, ClinGen allele CA1198740.